The following is an entry in ClinVar:

ClinVar aggregate classification (germline): Uncertain significance (1 of 4 stars; one submission).

Conditions:
Primary dilated cardiomyopathy (DCM). Also called: Dilated Cardiomyopathy. Identifiers: Orphanet 217604, MedGen C0007193, MeSH D002311, MONDO:0005021, HP:0001644. Inheritance: Various modes of inheritance.

Allele frequency attached by ClinVar (database versions not stated): gnomAD exomes below 0.00001; TOPMed below 0.00001; gnomAD 0.00001.
gnomAD v4.1: 4 of 1,607,754 alleles (0.00025%); highest among the groups gnomAD compares: African/African-American, 0.0013%; no homozygotes.

Submission:

Labcorp Genetics (formerly Invitae), Labcorp
Classification: Uncertain significance for Primary dilated cardiomyopathy. Last evaluated: 2025-06-16. Review status: criteria provided, single submitter. Criteria: Invitae Variant Classification Sherloc (09022015). Collection method: clinical testing. Allele origin: germline.
Comment: This sequence change affects an acceptor splice site in intron 3 of the TXNRD2 gene. It is expected to disrupt RNA splicing. Variants that disrupt the donor or acceptor splice site typically lead to a loss of protein function (PMID: 16199547), however the current clinical and genetic evidence is not sufficient to establish whether loss-of-function variants in TXNRD2 cause disease. This variant is present in population databases (no rsID available, gnomAD 0.003%). This variant has not been reported in the literature in individuals affected with TXNRD2-related conditions. ClinVar contains an entry for this variant (Variation ID: 2769087). Algorithms developed to predict the effect of sequence changes on RNA splicing suggest that this variant may disrupt the consensus splice site. In summary, the available evidence is currently insufficient to determine the role of this variant in disease. Therefore, it has been classified as a Variant of Uncertain Significance.

Literature cited by the submitters: PubMed 16199547.

NM_006440.5(TXNRD2):c.230-2A>G

Gene: TXNRD2 (thioredoxin reductase 2; minus strand). Cytogenetic location: 22q11.21.
Variant type: single nucleotide variant.
Coding change: c.230-2A>G on transcript NM_006440.5 (MANE Select); the canonical splice acceptor site of the intron before coding-DNA position 230, A replaced by G.
Molecular consequence: splice acceptor variant.
Genome position (GRCh38, 1-based): chr22:19,919,006, T>C on the plus strand (A>G on the coding strand, the complement: TXNRD2 is on the minus strand). VCF-style: chr22-19919006-T-C. GRCh37 (hg19) VCF-style: chr22-19906529-T-C.
Other names: c.227-2A>G (NM_001352300.2); c.-59-2A>G (NM_001352302.2); c.140-2A>G (NM_001352301.2); c.230-2A>G (NM_001282512.3); c.134-2A>G (NM_001352303.2).
Identifiers: ClinVar variation 2769087 (VCV002769087.3), dbSNP rs1354650556, ClinGen allele CA410694120.